The following is an entry in ClinVar:

NM_018646.6(TRPV6):c.900G>T (p.Met300Ile)

Gene: TRPV6 (transient receptor potential cation channel subfamily V member 6; minus strand). Cytogenetic location: 7q34.
Variant type: single nucleotide variant.
Coding change: c.900G>T on transcript NM_018646.6 (MANE Select); coding-DNA position 900, G replaced by T.
Protein change: p.Met300Ile; replaces methionine 300 with isoleucine.
Molecular consequence: missense variant.
Genome position (GRCh38, 1-based): chr7:142,875,887, C>A on the plus strand (G>T on the coding strand, the complement: TRPV6 is on the minus strand). VCF-style: chr7-142875887-C-A. GRCh37 (hg19) VCF-style: chr7-142573640-C-A.
Other names: short protein forms M300I.
Identifiers: ClinVar variation 3659109 (VCV003659109.2).
Genomic context (GRCh38, chr7:142,875,887, plus strand): 5'-GAGGTCATAGAGAGTCGAGGTCAGTGGTCCATACGTCCACTGGGTGTGCTTCCGCTTCTG[C>A]ATCAGGTGCTGAAACATCTAAGGGAAAGTGAAGATGACTCAGGAGCAGTAAGCAAAGGGG-3'
Protein context (NP_061116.5, residues 290-310): EGNTVMFQHL[Met300Ile]QKRKHTQWTY

ClinVar aggregate classification (germline): Uncertain significance (1 of 4 stars; one submission).

Submission:

Labcorp Genetics (formerly Invitae), Labcorp
Classification: Uncertain significance. Last evaluated: 2024-07-10. Review status: criteria provided, single submitter. Criteria: Invitae Variant Classification Sherloc (09022015). Collection method: clinical testing. Allele origin: germline.
Comment: This sequence change replaces methionine, which is neutral and non-polar, with isoleucine, which is neutral and non-polar, at codon 300 of the TRPV6 protein (p.Met300Ile). This variant is not present in population databases (gnomAD no frequency). This variant has not been reported in the literature in individuals affected with TRPV6-related conditions. Experimental studies and prediction algorithms are not available or were not evaluated, and the functional significance of this variant is currently unknown. In summary, the available evidence is currently insufficient to determine the role of this variant in disease. Therefore, it has been classified as a Variant of Uncertain Significance.